The following is an entry in ClinVar:

NM_000444.6(PHEX):c.1559G>A (p.Trp520Ter)

Gene: PHEX (phosphate regulating endopeptidase X-linked; plus strand). Cytogenetic location: Xp22.11.
Variant type: single nucleotide variant.
Coding change: c.1559G>A on transcript NM_000444.6 (MANE Select); coding-DNA position 1559, G replaced by A.
Protein change: p.Trp520Ter; replaces tryptophan 520 with a stop codon.
Molecular consequence: nonsense.
Genome position (GRCh38, 1-based): chrX:22,178,349, G>A. VCF-style: chrX-22178349-G-A. GRCh37 (hg19) VCF-style: chrX-22196466-G-A.
Other names: c.1559G>A (NM_000444.5); c.1559G>A, p.Trp520Ter (NM_001282754.2); short protein forms W520*.
Identifiers: ClinVar variation 2117393 (VCV002117393.7), dbSNP rs2518606202, ClinGen allele CA412574945.

ClinVar aggregate classification (germline): Pathogenic/Likely pathogenic. Review status: criteria provided, multiple submitters, no conflicts (2 of 4 stars). 3 submissions from 3 submitters: Pathogenic (2); Likely pathogenic (1). Last evaluated 2026-03-05.

Conditions:
Hypophosphataemia or rickets.
PHEX-related disorder. Also called: PHEX-related condition.

Submissions (4):

Cambridge Genomics Laboratory, East Genomic Laboratory Hub, NHS Genomic Medicine Service
Classification: Pathogenic for Hypophosphataemia or rickets. Last evaluated: 2026-03-05. Review status: criteria provided, single submitter. Criteria: ACGS Best Practice Guidelines for Variant Classification in Rare Disease 2020. Collection method: clinical testing. Allele origin: germline. Affected: yes.
Comment: PVS1,PM2

Labcorp Genetics (formerly Invitae), Labcorp
Classification: Pathogenic. Last evaluated: 2025-08-02. Review status: criteria provided, single submitter. Criteria: Invitae Variant Classification Sherloc (09022015). Collection method: clinical testing. Allele origin: germline.
Comment: This sequence change creates a premature translational stop signal (p.Trp520*) in the PHEX gene. It is expected to result in an absent or disrupted protein product. Loss-of-function variants in PHEX are known to be pathogenic (PMID: 9097956, 9106524, 19219621). This variant is not present in population databases (gnomAD no frequency). This variant has not been reported in the literature in individuals affected with PHEX-related conditions. ClinVar contains an entry for this variant (Variation ID: 2117393). For these reasons, this variant has been classified as Pathogenic.

PreventionGenetics, part of Exact Sciences
Classification: Likely pathogenic for PHEX-related condition. Last evaluated: 2023-02-07. Review status: criteria provided, single submitter. Criteria: ACMG Guidelines, 2015. Collection method: clinical testing. Allele origin: germline.
Comment: The PHEX c.1559G>A variant is predicted to result in premature protein termination (p.Trp520*). To our knowledge, this variant has not been reported in the literature or in a large population database, indicating this variant is rare. Nonsense variants in PHEX are expected to be pathogenic. This variant is interpreted as likely pathogenic.

Dr. Peter K. Rogan Lab, Western University
No classification provided (evidence only). Condition: Thyroid cancer, nonmedullary, 1. Review status: no classification provided. Collection method: in vitro. Allele origin: not applicable. Functional consequence: retained intron. Not counted in ClinVar's aggregate classification.

Literature cited by the submitters: PubMed 9097956 (cited by Labcorp Genetics (formerly Invitae), Labcorp); PubMed 9106524 (cited by Labcorp Genetics (formerly Invitae), Labcorp); PubMed 19219621 (cited by Labcorp Genetics (formerly Invitae), Labcorp).